The following is an entry in ClinVar:

NM_001134407.3(GRIN2A):c.2735C>G (p.Ser912Cys)

Gene: GRIN2A (glutamate ionotropic receptor NMDA type subunit 2A; minus strand). Cytogenetic location: 16p13.2.
Variant type: single nucleotide variant.
Coding change: c.2735C>G on transcript NM_001134407.3 (MANE Select); coding-DNA position 2735, C replaced by G.
Protein change: p.Ser912Cys; replaces serine 912 with cysteine.
Molecular consequence: missense variant.
Genome position (GRCh38, 1-based): chr16:9,764,809, G>C on the plus strand (C>G on the coding strand, the complement: GRIN2A is on the minus strand). VCF-style: chr16-9764809-G-C. GRCh37 (hg19) VCF-style: chr16-9858666-G-C.
Other names: c.2735C>G, p.Ser912Cys (NM_000833.5, NM_001134408.2); short protein forms S912C.
Identifiers: ClinVar variation 384088 (VCV000384088.14), dbSNP rs200588845, ClinGen allele CA7896433.

ClinVar aggregate classification (germline): Likely benign. Review status: criteria provided, multiple submitters, no conflicts (2 of 4 stars). 3 submissions from 3 submitters: Likely benign (2). 1 of the submissions does not count toward it. Last evaluated 2024-06-04.

Conditions:
GRIN2A-related complex neurodevelopmental disorder. Also called: GRIN2A-related disorder; GRIN2A-related condition. Identifiers: MedGen CN379781, MONDO:1060139.
Landau-Kleffner syndrome (FESD). Also called: EPILEPSY, FOCAL, WITH SPEECH DISORDER AND WITH OR WITHOUT MENTAL RETARDATION; APHASIA, ACQUIRED, WITH EPILEPSY. Identifiers: Orphanet 1945, Orphanet 725, Orphanet 98818, MedGen C0282512, MONDO:0009509, OMIM 245570.

Allele frequency attached by ClinVar (database versions not stated): ExAC 0.00002; TOPMed 0.00004; 1000 Genomes Project 0.00020; gnomAD 0.00005 and 0.00007; 1000 Genomes Project 30x 0.00016; gnomAD exomes 0.00002 and 0.00005.
gnomAD v4.1: 83 of 1,614,198 alleles (0.0051%); highest among the groups gnomAD compares: Admixed American, 0.0083%; no homozygotes.

Submissions (3):

Labcorp Genetics (formerly Invitae), Labcorp
Classification: Likely benign for Landau-Kleffner syndrome. Last evaluated: 2024-06-04. Review status: criteria provided, single submitter. Criteria: Invitae Variant Classification Sherloc (09022015). Collection method: clinical testing. Allele origin: germline.

GeneDx
Classification: Likely benign. Last evaluated: 2019-04-22. Review status: criteria provided, single submitter. Criteria: GeneDx Variant Classification Process June 2021. Collection method: clinical testing. Allele origin: germline. Affected: yes.
Comment: This variant is associated with the following publications: (PMID: 25368549)

PreventionGenetics, part of Exact Sciences
Classification: Likely benign for GRIN2A-related condition. Last evaluated: 2024-08-24. Review status: no assertion criteria provided. Collection method: clinical testing. Allele origin: germline. Not counted in ClinVar's aggregate classification.
Comment: This variant is classified as likely benign based on ACMG/AMP sequence variant interpretation guidelines (Richards et al. 2015 PMID: 25741868, with internal and published modifications).